The following is an entry in ClinVar:

ClinVar aggregate classification (germline): Conflicting classifications of pathogenicity. Review status: criteria provided, conflicting classifications (1 of 4 stars). 5 submissions from 5 submitters: Pathogenic (1); Likely pathogenic (3); Uncertain significance (1). Last evaluated 2025-10-13.

Conditions:
Intellectual developmental disorder with gastrointestinal difficulties and high pain threshold (JDVS). Also called: JANSEN-DE VRIES SYNDROME. Identifiers: Orphanet 653767, MedGen C4479517, MONDO:0044318, OMIM 617450.
PPM1D-related disorder. Also called: PPM1D-related condition.

gnomAD v4.1: 15 of 1,613,934 alleles (0.00093%); highest among the groups gnomAD compares: East Asian, 0.0022%; no homozygotes.

Submissions (5):

Labcorp Genetics (formerly Invitae), Labcorp
Classification: Uncertain significance. Last evaluated: 2025-10-13. Review status: criteria provided, single submitter. Criteria: Invitae Variant Classification Sherloc (09022015). Collection method: clinical testing. Allele origin: germline.
Comment: This sequence change creates a premature translational stop signal (p.Cys478*) in the PPM1D gene. While this is not anticipated to result in nonsense mediated decay, it is expected to disrupt the last 128 amino acid(s) of the PPM1D protein. This variant is present in population databases (rs146477590, gnomAD 0.006%). This variant has not been reported in the literature in individuals affected with PPM1D-related conditions. ClinVar contains an entry for this variant (Variation ID: 1802564). Experimental studies and prediction algorithms are not available or were not evaluated, and the functional significance of this variant is currently unknown. In summary, the available evidence is currently insufficient to determine the role of this variant in disease. Therefore, it has been classified as a Variant of Uncertain Significance.

GeneDx
Classification: Pathogenic. Last evaluated: 2024-11-08. Review status: criteria provided, single submitter. Criteria: GeneDx Variant Classification Process June 2021. Collection method: clinical testing. Allele origin: germline. Affected: yes.
Comment: Functional studies demonstrated increased cellular proliferation in patient cells and reduced survival in mice (PMID: 30852603); Identified in blood samples from adults with breast, ovarian, and others cancers, reported as mosaic in most individuals. As variants in this gene are associated with clonal hematopoiesis, these reports are unlikely to be germline observations (PMID: 30306255, 23242139, 26823519, 33864022).; Nonsense variant predicted to result in protein truncation, as the last 128 amino acids are lost, and other loss-of-function variants have been reported downstream in HGMD; This variant is associated with the following publications: (PMID: 23242139, 27401275, 24262437, 26823519, 30850729, 30306255, 39504961, 39042228, 38976813, 33864022, 30852603)

PreventionGenetics, part of Exact Sciences
Classification: Likely pathogenic for PPM1D-related condition. Last evaluated: 2023-01-05. Review status: criteria provided, single submitter. Criteria: ACMG Guidelines, 2015. Collection method: clinical testing. Allele origin: germline.
Comment: The PPM1D c.1434C>A variant is predicted to result in premature protein termination (p.Cys478*). This variant has been reported in patients with breast and ovarian cancer, where it is expected to be causative in the somatic mosaic state (Ruark et al. 2013. PubMed ID: 23242139; Akbari et al. 2013. PubMed ID: 24262437; Bonache et al. 2018. PubMed ID: 30306255; Machiela et al. 2019. PubMed ID: 30850729). This variant is reported in 0.0054% of alleles in individuals of East Asian descent in gnomAD (2 heterozygous calls, both with low read frequency, indicating possibly mosaic). De novo germline heterozygous loss of function changes in this region have been reported as causative for autosomal dominant Jansen de Vries syndrome (Jansen. 2017. PubMed ID: 28343630). We interpret this change as likely pathogenic.

Blueprint Genetics
Classification: Likely pathogenic for PPM1D-related disorders. Last evaluated: 2022-12-15. Review status: criteria provided, single submitter. Criteria: ACMG Guidelines, 2015. Collection method: clinical testing. Allele origin: germline. Affected: yes. Observed: 1 variant allele.

Laboratory of Medical Genetics, University of Torino
Classification: Likely pathogenic for Intellectual developmental disorder with gastrointestinal difficulties and high pain threshold. Last evaluated: 2022-11-29. Review status: criteria provided, single submitter. Criteria: ACMG Guidelines, 2015. Collection method: research. Allele origin: germline. Affected: yes. Study: NeuroWES.

NM_003620.4(PPM1D):c.1434C>A (p.Cys478Ter)

Gene: PPM1D (protein phosphatase, Mg2+/Mn2+ dependent 1D; plus strand). Cytogenetic location: 17q23.2.
Variant type: single nucleotide variant.
Coding change: c.1434C>A on transcript NM_003620.4 (MANE Select); coding-DNA position 1434, C replaced by A.
Protein change: p.Cys478Ter; replaces cysteine 478 with a stop codon.
Molecular consequence: nonsense.
Genome position (GRCh38, 1-based): chr17:60,663,168, C>A. VCF-style: chr17-60663168-C-A. GRCh37 (hg19) VCF-style: chr17-58740529-C-A.
Other names: short protein forms C478*.
Identifiers: ClinVar variation 1802564 (VCV001802564.6), dbSNP rs146477590, ClinGen allele CA8687787.
Genomic context (GRCh38, chr17:60,663,168, plus strand): 5'-AGAGAATGTCCAAGGTGTAGTCATACCCTCAAAAGATCCAGAACCACTTGAAGAAAATTG[C>A]GCTAAAGCCCTGACTTTAAGGATACATGATTCTTTGAATAATAGCCTTCCAATTGGCCTT-3'